The following is an entry in ClinVar:

NM_020937.4(FANCM):c.2888T>C (p.Phe963Ser)

Gene: FANCM (FA complementation group M; plus strand). Cytogenetic location: 14q21.2.
Variant type: single nucleotide variant.
Coding change: c.2888T>C on transcript NM_020937.4 (MANE Select); coding-DNA position 2888, T replaced by C.
Protein change: p.Phe963Ser; replaces phenylalanine 963 with serine.
Molecular consequence: missense variant.
Genome position (GRCh38, 1-based): chr14:45,175,642, T>C. VCF-style: chr14-45175642-T-C. GRCh37 (hg19) VCF-style: chr14-45644845-T-C.
Other names: c.2810T>C, p.Phe937Ser (NM_001308133.2); short protein forms F963S, F937S.
Identifiers: ClinVar variation 2778330 (VCV002778330.3), dbSNP rs2503184844, ClinGen allele CA389599398.
Genomic context (GRCh38, chr14:45,175,642, plus strand): 5'-ATTCTGGTTATAACAGTTTCAATGATGAAAAATCTGTTTCATCTAACTTATTTCTTCCAT[T>C]CGAAGAAGAGCTTTATATTGTTAGAACAGATGACCAATTTTATAATTGTCACTCATTGAC-3'
Protein context (NP_065988.1, residues 953-973): KSVSSNLFLP[Phe963Ser]EEELYIVRTD

ClinVar aggregate classification (germline): Uncertain significance (1 of 4 stars; one submission).

Conditions:
Fanconi anemia (FA). Also called: Fanconi's anemia. Identifiers: Orphanet 84, MedGen C0015625, MeSH D005199, MONDO:0019391.

Submission:

Labcorp Genetics (formerly Invitae), Labcorp
Classification: Uncertain significance for Fanconi anemia. Last evaluated: 2023-08-09. Review status: criteria provided, single submitter. Criteria: Invitae Variant Classification Sherloc (09022015). Collection method: clinical testing. Allele origin: germline.
Comment: This sequence change replaces phenylalanine, which is neutral and non-polar, with serine, which is neutral and polar, at codon 963 of the FANCM protein (p.Phe963Ser). In summary, the available evidence is currently insufficient to determine the role of this variant in disease. Therefore, it has been classified as a Variant of Uncertain Significance. Algorithms developed to predict the effect of missense changes on protein structure and function output the following: SIFT: "Not Available"; PolyPhen-2: "Benign"; Align-GVGD: "Not Available". The serine amino acid residue is found in multiple mammalian species, which suggests that this missense change does not adversely affect protein function. This variant has not been reported in the literature in individuals affected with FANCM-related conditions. This variant is not present in population databases (gnomAD no frequency).